The following is an entry in ClinVar:

ClinVar aggregate classification (germline): Pathogenic (1 of 4 stars; one submission).

Submission:

GeneDx
Classification: Pathogenic. Last evaluated: 2016-11-08. Review status: criteria provided, single submitter. Criteria: GeneDx Variant Classification (06012015). Collection method: clinical testing. Allele origin: germline. Affected: yes.
Comment: The c.4577delC pathogenic variant in the MED13L gene has not been reported previously as a pathogenic variant nor as a benign variant, to our knowledge. The c.4577delC variant causes a frameshift starting with codon Proline 1526, changes this amino acid to a Histidine residue, and creates a premature Stop codon at position 23 of the new reading frame, denoted p.Pro1526HisfsX23. This variant is predicted to cause loss of normal protein function either through protein truncation or nonsense-mediated mRNA decay. The c.4577delC variant was not observed in approximately 6,500 individuals of European and African American ancestry in the NHLBI Exome Sequencing Project, indicating it is not a common benign variant in these populations. We interpret c.4577delC as a pathogenic variant.

NM_015335.5(MED13L):c.4577del (p.Pro1526fs)

Gene: MED13L (mediator complex subunit 13L; minus strand). Cytogenetic location: 12q24.21.
Variant type: Deletion.
Coding change: c.4577del on transcript NM_015335.5 (MANE Select); coding-DNA position 4577, one base deleted (C; older notation c.4577delC).
Protein change: p.Pro1526fs; shifts the reading frame from proline 1526.
Molecular consequence: frameshift variant.
Genome position (GRCh38, 1-based): chr12:115,983,495, G deleted on the plus strand (C on the coding strand, the reverse complement: MED13L is on the minus strand); the first of 2 consecutive G bases (chr12:115,983,495-115,983,496); deleting either gives the same sequence. VCF-style (leftmost placement, unchanged base first): chr12-115983494-TG-T. GRCh37 (hg19) VCF-style: chr12-116421299-TG-T.
Other names: c.4577delC (NM_015335.4); short protein forms P1526fs.
Identifiers: ClinVar variation 373164 (VCV000373164.2), dbSNP rs1057518262, ClinGen allele CA16042838.